The following is an entry in ClinVar:

ClinVar aggregate classification (germline): Uncertain significance (1 of 4 stars; one submission).

Conditions:
EGFR-related lung cancer (EGFR). Identifiers: MedGen CN130014.

Submission:

Labcorp Genetics (formerly Invitae), Labcorp
Classification: Uncertain significance for EGFR-related lung cancer. Last evaluated: 2024-08-31. Review status: criteria provided, single submitter. Criteria: Invitae Variant Classification Sherloc (09022015). Collection method: clinical testing. Allele origin: germline.
Comment: This sequence change replaces arginine, which is basic and polar, with leucine, which is neutral and non-polar, at codon 255 of the EGFR protein (p.Arg255Leu). This variant is not present in population databases (gnomAD no frequency). This variant has not been reported in the literature in individuals affected with EGFR-related conditions. Invitae Evidence Modeling of protein sequence and biophysical properties (such as structural, functional, and spatial information, amino acid conservation, physicochemical variation, residue mobility, and thermodynamic stability) has been performed for this missense variant. However, the output from this modeling did not meet the statistical confidence thresholds required to predict the impact of this variant on EGFR protein function. In summary, the available evidence is currently insufficient to determine the role of this variant in disease. Therefore, it has been classified as a Variant of Uncertain Significance.

NM_005228.5(EGFR):c.764G>T (p.Arg255Leu)

Gene: EGFR (epidermal growth factor receptor; plus strand). Cytogenetic location: 7p11.2.
Variant type: single nucleotide variant.
Coding change: c.764G>T on transcript NM_005228.5 (MANE Select); coding-DNA position 764, G replaced by T.
Protein change: p.Arg255Leu; replaces arginine 255 with leucine.
Molecular consequence: missense variant. On other transcripts: intron variant (1).
Genome position (GRCh38, 1-based): chr7:55,154,027, G>T. VCF-style: chr7-55154027-G-T. GRCh37 (hg19) VCF-style: chr7-55221720-G-T.
Other names: c.629G>T, p.Arg210Leu (NM_001346897.2, NM_001346899.2); c.764G>T, p.Arg255Leu (NM_001346898.2, NM_201282.2, NM_201283.2 and 1 more transcripts); c.605G>T, p.Arg202Leu (NM_001346900.2); c.89-1803G>T (NM_001346941.2); short protein forms R202L, R210L, R255L.
Identifiers: ClinVar variation 3663003 (VCV003663003.2).